The following is an entry in ClinVar:

NM_000051.4(ATM):c.3870T>G (p.Ile1290Met)

Gene: ATM (ATM serine/threonine kinase; plus strand). Cytogenetic location: 11q22.3.
Variant type: single nucleotide variant.
Coding change: c.3870T>G on transcript NM_000051.4 (MANE Select); coding-DNA position 3870, T replaced by G.
Protein change: p.Ile1290Met; replaces isoleucine 1290 with methionine.
Molecular consequence: missense variant.
Genome position (GRCh38, 1-based): chr11:108,284,350, T>G. VCF-style: chr11-108284350-T-G. GRCh37 (hg19) VCF-style: chr11-108155077-T-G.
Other names: c.3870T>G, p.Ile1290Met (NM_001351834.2); short protein forms I1290M.
Identifiers: ClinVar variation 3326434 (VCV003326434.1).

ClinVar aggregate classification (germline): Uncertain significance (1 of 4 stars; one submission).

Conditions:
Hereditary cancer-predisposing syndrome. Also called: Neoplastic Syndromes, Hereditary; Tumor predisposition; Hereditary neoplastic syndrome; Hereditary Cancer Syndrome. Identifiers: Orphanet 140162, MedGen C0027672, MeSH D009386, MONDO:0015356.

Submission:

Ambry Genetics
Classification: Uncertain significance for Hereditary cancer-predisposing syndrome. Last evaluated: 2024-05-26. Review status: criteria provided, single submitter. Criteria: Ambry Variant Classification Scheme 2023. Collection method: clinical testing. Allele origin: germline.
Comment: The p.I1290M variant (also known as c.3870T>G), located in coding exon 25 of the ATM gene, results from a T to G substitution at nucleotide position 3870. The isoleucine at codon 1290 is replaced by methionine, an amino acid with highly similar properties. This amino acid position is conserved. In addition, this alteration is predicted to be tolerated by in silico analysis. Based on the available evidence, the clinical significance of this variant remains unclear.